The following is an entry in ClinVar:

NM_002949.4(MRPL12):c.410C>T (p.Ala137Val)

Gene: MRPL12 (mitochondrial ribosomal protein L12; plus strand). Cytogenetic location: 17q25.3.
Variant type: single nucleotide variant.
Coding change: c.410C>T on transcript NM_002949.4 (MANE Select); coding-DNA position 410, C replaced by T.
Protein change: p.Ala137Val; replaces alanine 137 with valine.
Molecular consequence: missense variant.
Genome position (GRCh38, 1-based): chr17:81,706,970, C>T. VCF-style: chr17-81706970-C-T. GRCh37 (hg19) VCF-style: chr17-79674000-C-T.
Other names: short protein forms A137V.
Identifiers: ClinVar variation 3673925 (VCV003673925.2).

ClinVar aggregate classification (germline): Uncertain significance (1 of 4 stars; one submission).

Submission:

Labcorp Genetics (formerly Invitae), Labcorp
Classification: Uncertain significance. Last evaluated: 2024-06-13. Review status: criteria provided, single submitter. Criteria: Invitae Variant Classification Sherloc (09022015). Collection method: clinical testing. Allele origin: germline.
Comment: This sequence change replaces alanine, which is neutral and non-polar, with valine, which is neutral and non-polar, at codon 137 of the MRPL12 protein (p.Ala137Val). This variant is present in population databases (rs758228244, gnomAD 0.003%). This variant has not been reported in the literature in individuals affected with MRPL12-related conditions. An algorithm developed to predict the effect of missense changes on protein structure and function (PolyPhen-2) suggests that this variant is likely to be disruptive. In summary, the available evidence is currently insufficient to determine the role of this variant in disease. Therefore, it has been classified as a Variant of Uncertain Significance.